The following is an entry in ClinVar:

ClinVar aggregate classification (germline): Conflicting classifications of pathogenicity. Review status: criteria provided, conflicting classifications (1 of 4 stars). 2 submissions from 2 submitters: Uncertain significance (1); Likely benign (1). Last evaluated 2025-06-23.

Conditions:
Hereditary cancer-predisposing syndrome. Also called: Neoplastic Syndromes, Hereditary; Hereditary neoplastic syndrome; Tumor predisposition; Hereditary Cancer Syndrome. Identifiers: Orphanet 140162, MedGen C0027672, MeSH D009386, MONDO:0015356.

Submissions (2):

Ambry Genetics
Classification: Likely benign for Hereditary cancer-predisposing syndrome. Last evaluated: 2025-06-23. Review status: criteria provided, single submitter. Criteria: Ambry Variant Classification Scheme 2023. Collection method: clinical testing. Allele origin: germline.

Quest Diagnostics Nichols Institute San Juan Capistrano
Classification: Uncertain significance. Last evaluated: 2023-01-16. Review status: criteria provided, single submitter. Criteria: Quest Diagnostics criteria. Collection method: clinical testing. Allele origin: unknown.
Comment: This variant has not been described in online databases, and to the best of our knowledge, has not been reported in individuals with BRCA-related conditions in the published literature. It also has not been reported in large, multi-ethnic general populations. Analysis of this variant using software algorithms for the prediction of the effect of nucleotide changes on splicing yielded predictions that this variant does not affect BRCA2 mRNA splicing . Based on the available information, we are unable to determine the clinical significance of this variant.

NM_000059.4(BRCA2):c.7761C>G (p.Leu2587=)

Gene: BRCA2 (BRCA2 DNA repair associated; plus strand). Cytogenetic location: 13q13.1.
Variant type: single nucleotide variant.
Coding change: c.7761C>G on transcript NM_000059.4 (MANE Select); coding-DNA position 7761, C replaced by G.
Protein change: p.Leu2587=; no amino-acid change (leucine 2587 retained).
Molecular consequence: synonymous variant. On other transcripts: non-coding transcript variant (1).
Genome position (GRCh38, 1-based): chr13:32,357,885, C>G. VCF-style: chr13-32357885-C-G. GRCh37 (hg19) VCF-style: chr13-32932022-C-G.
Other names: c.7665C>G, p.Leu2555= (NM_001406719.1); c.7761C>G, p.Leu2587= (NM_001406720.1); c.2829C>G, p.Leu943= (NM_001406721.1); c.1344C>G, p.Leu448= (NM_001406722.1).
Identifiers: ClinVar variation 2681839 (VCV002681839.2), dbSNP rs1555286446, ClinGen allele CA483439256.